The following is an entry in ClinVar:

ClinVar aggregate classification (germline): Benign. Review status: criteria provided, single submitter (1 of 4 stars). 2 submissions from 2 submitters: Benign (1). 1 of the submissions does not count toward it. Last evaluated 2026-01-13.

Conditions:
DSCAML1-related disorder. Also called: DSCAML1-related condition.

Allele frequency attached by ClinVar (database versions not stated): gnomAD 0.00023 and 0.00036; TOPMed 0.00028; ESP Exome Variant Server 0.00031; 1000 Genomes Project 0.00060; 1000 Genomes Project 30x 0.00078; ExAC 0.00099.
gnomAD v4.1: 761 of 1,604,770 alleles (0.047%); highest among the groups gnomAD compares: South Asian, 0.47%; 9 homozygotes.

Submissions (2):

Labcorp Genetics (formerly Invitae), Labcorp
Classification: Benign. Last evaluated: 2026-01-13. Review status: criteria provided, single submitter. Criteria: Invitae Variant Classification Sherloc (09022015). Collection method: clinical testing. Allele origin: germline.

PreventionGenetics, part of Exact Sciences
Classification: Likely benign for DSCAML1-related condition. Last evaluated: 2019-09-09. Review status: no assertion criteria provided. Collection method: clinical testing. Allele origin: germline. Not counted in ClinVar's aggregate classification.
Comment: This variant is classified as likely benign based on ACMG/AMP sequence variant interpretation guidelines (Richards et al. 2015 PMID: 25741868, with internal and published modifications).

NM_020693.4(DSCAML1):c.4244-4G>A

Gene: DSCAML1 (DS cell adhesion molecule like 1; minus strand). Cytogenetic location: 11q23.3.
Variant type: single nucleotide variant.
Coding change: c.4244-4G>A on transcript NM_020693.4 (MANE Select); 4 bases into the intron before coding-DNA position 4244, G replaced by A.
Molecular consequence: intron variant.
Genome position (GRCh38, 1-based): chr11:117,438,087, C>T on the plus strand (G>A on the coding strand, the complement: DSCAML1 is on the minus strand). VCF-style: chr11-117438087-C-T. GRCh37 (hg19) VCF-style: chr11-117308803-C-T.
Other names: c.4424-4G>A (NM_020693.3).
Identifiers: ClinVar variation 1627553 (VCV001627553.10), dbSNP rs373865472, ClinGen allele CA6296424.